The following is an entry in ClinVar:

ClinVar aggregate classification (germline): Likely pathogenic (1 of 4 stars; one submission).

Conditions:
GNE myopathy (NM). Also called: INCLUSION BODY MYOPATHY, HEREDITARY, AUTOSOMAL RECESSIVE; MYOPATHY, DISTAL, WITH OR WITHOUT RIMMED VACUOLES; INCLUSION BODY MYOPATHY 2, AUTOSOMAL RECESSIVE; IBM 2; Inclusion body myopathy autosomal recessive; Inclusion body myopathy quadriceps sparing. Identifiers: Orphanet 602, MedGen C1853926, MONDO:0011603, OMIM 605820.

gnomAD v4.1: 4 of 1,607,664 alleles (0.00025%); highest among the groups gnomAD compares: Non-Finnish European, 0.00034%; no homozygotes.

Submission:

Natera, Inc.
Classification: Likely pathogenic for Nonaka myopathy. Last evaluated: 2025-01-27. Review status: criteria provided, single submitter. Criteria: Natera Variant Classification Schema (03/2026). Collection method: clinical testing. Allele origin: germline.
Comment: The c.1183G>A variant in GNE is a missense variant predicted to cause substitution of glycine to arginine at amino acid 395. This variant is rare in the general population with a frequency below the threshold expected for the associated phenotype(s). This variant has been observed in one or more individuals affected with the associated recessive disease, as either homozygous or compound heterozygous with a second variant (PMID: 30390020, 27858732). Computational prediction algorithms indicate this variant is likely to affect gene or protein function. Given the available evidence, this variant is classified as Likely Pathogenic.

Literature cited by the submitters: PubMed 30390020; PubMed 27858732.

NM_005476.7(GNE):c.1090G>A (p.Gly364Arg)

Gene: GNE (glucosamine (UDP-N-acetyl)-2-epimerase/N-acetylmannosamine kinase; minus strand). Cytogenetic location: 9p13.3.
Variant type: single nucleotide variant.
Coding change: c.1090G>A on transcript NM_005476.7 (MANE Select); coding-DNA position 1090, G replaced by A.
Protein change: p.Gly364Arg; replaces glycine 364 with arginine.
Molecular consequence: missense variant.
Genome position (GRCh38, 1-based): chr9:36,227,439, C>T on the plus strand (G>A on the coding strand, the complement: GNE is on the minus strand). VCF-style: chr9-36227439-C-T. GRCh37 (hg19) VCF-style: chr9-36227436-C-T.
Other names: c.1090G>A, p.Gly364Arg (NM_001190383.3); c.760G>A, p.Gly254Arg (NM_001190384.3); c.913G>A, p.Gly305Arg (NM_001190388.2, NM_001374798.1); c.937G>A, p.Gly313Arg (NM_001374797.1); c.1183G>A, p.Gly395Arg (NM_001128227.3); short protein forms G254R, G305R, G313R, G364R, G395R.
Identifiers: ClinVar variation 4068806 (VCV004068806.2).
Genomic context (GRCh38, chr9:36,227,439, plus strand): 5'-GCAGTGGCTCTTGAAGATCGATAGATTTGAGAAACTTCAAAATCCTTGGAACAGCATTTC[C>T]ATCCCCATATATCTTTGAACTGCAATATACAAAAAGTCAATTAAATTATATGCTTCTGCC-3'
Protein context (NP_005467.1, residues 354-374): QYPCSKIYGD[Gly364Arg]NAVPRILKFL